The following is an entry in ClinVar:

ClinVar aggregate classification (germline): Conflicting classifications of pathogenicity. Review status: criteria provided, conflicting classifications (1 of 4 stars). 3 submissions from 3 submitters: Likely pathogenic (1); Uncertain significance (2). Last evaluated 2025-04-21.

Conditions:
Marfan syndrome (MFS). Also called: Marfan syndrome, classic; FBN1-Related Marfan Syndrome; Marfan syndrome type 1; Marfan's syndrome; MARFAN SYNDROME, TYPE I. Identifiers: Orphanet 284963, Orphanet 558, MedGen C0024796, MONDO:0007947, OMIM 154700.
Familial thoracic aortic aneurysm and aortic dissection (TAAD). Also called: Thoracic aortic aneurysms and dissections. Identifiers: Orphanet 91387, MedGen C4707243, MONDO:0019625.

Submissions (3):

Labcorp Genetics (formerly Invitae), Labcorp
Classification: Uncertain significance for Marfan syndrome; Familial thoracic aortic aneurysm and aortic dissection. Last evaluated: 2025-04-21. Review status: criteria provided, single submitter. Criteria: Invitae Variant Classification Sherloc (09022015). Collection method: clinical testing. Allele origin: germline.
Comment: This sequence change replaces aspartic acid, which is acidic and polar, with glycine, which is neutral and non-polar, at codon 1973 of the FBN1 protein (p.Asp1973Gly). This variant is not present in population databases (gnomAD no frequency). This missense change has been observed in individual(s) with Marfan syndrome (PMID: 30008475). ClinVar contains an entry for this variant (Variation ID: 200071). An algorithm developed to predict the effect of missense changes on protein structure and function (PolyPhen-2) suggests that this variant is likely to be disruptive. In summary, the available evidence is currently insufficient to determine the role of this variant in disease. Therefore, it has been classified as a Variant of Uncertain Significance.

Ambry Genetics
Classification: Likely pathogenic for Familial thoracic aortic aneurysm and aortic dissection. Last evaluated: 2024-06-13. Review status: criteria provided, single submitter. Criteria: Ambry Variant Classification Scheme 2023. Collection method: clinical testing. Allele origin: germline.
Comment: The p.D1973G variant (also known as c.5918A>G) is located in coding exon 48 of the FBN1 gene. The aspartic acid at codon 1973 is replaced by glycine, an amino acid with similar properties. This change occurs in the first base pair of coding exon 48. This variant has been observed in at least one individual with a personal and/or family history that is consistent with Marfan syndrome and/or related fibrillinopathies (Ambry internal data). This variant has also been reported in a pediatric cohort of subjects with suspected disorders (Thiffault I et al. Genet Med, 2019 Feb;21:303-310). This variant alters a conserved residue in the calcium-binding consensus sequence of a cbEGF domain and is expected to disrupt FBN1 function (Handford PA et al. Nature. 1991; 351(6322):164-7.) This amino acid position is highly conserved in available vertebrate species. In addition, this alteration is predicted to be deleterious by in silico analysis. This variant is also considered to be rare based on population cohorts in the Genome Aggregation Database (gnomAD). Based on the majority of available evidence to date, this variant is likely to be pathogenic.

GeneDx
Classification: Uncertain significance. Last evaluated: 2017-08-20. Review status: criteria provided, single submitter. Criteria: GeneDx Variant Classification (06012015). Collection method: clinical testing. Allele origin: germline. Affected: yes.
Comment: A variant of uncertain significance has been identified in the FBN1 gene. The D1973G variant has not been published as a pathogenic variant, nor has it been reported as a benign variant to our knowledge. Nevertheless, this variant has been identified in one other family referred for Marfan/TAAD testing at GeneDx; segregation data are uninformative at this time. The D1973G variant was not observed in approximately 6,500 individuals of European and African American ancestry in the NHLBI Exome Sequencing Project, indicating it is not a common benign variant in these populations. The D1973G variant is a non-conservative amino acid substitution, which is likely to impact secondary protein structure as these residues differ in polarity, charge, size and/or other properties, and this substitution occurs at a position that is conserved across species. Furthermore, in silico analysis predicts this variant is probably damaging to the protein structure/function. However, although the D1973G variant is located within a calcium-binding EGF-like domain of the FBN1 gene, it does not affect a Cysteine residue. Cysteine substitutions in the calcium-binding EGF-like domains represent the majority of pathogenic missense changes associated with Marfan syndrome (Collod-Beroud et al., 2003). Therefore, based on the currently available information, it is unclear whether this variant is pathogenic or rare benign.

Literature cited by the submitters: PubMed 30008475 (cited by Labcorp Genetics (formerly Invitae), Labcorp and Ambry Genetics).

NM_000138.5(FBN1):c.5918A>G (p.Asp1973Gly)

Gene: FBN1 (fibrillin 1; minus strand). Cytogenetic location: 15q21.1.
Variant type: single nucleotide variant.
Coding change: c.5918A>G on transcript NM_000138.5 (MANE Select); coding-DNA position 5918, A replaced by G.
Protein change: p.Asp1973Gly; replaces aspartic acid 1973 with glycine.
Molecular consequence: missense variant.
Genome position (GRCh38, 1-based): chr15:48,444,660, T>C on the plus strand (A>G on the coding strand, the complement: FBN1 is on the minus strand). VCF-style: chr15-48444660-T-C. GRCh37 (hg19) VCF-style: chr15-48736857-T-C.
Other names: p.D1973G:GAT>GGT; short protein forms D1973G.
Identifiers: ClinVar variation 200071 (VCV000200071.10), dbSNP rs794728242, ClinGen allele CA016172.
Genomic context (GRCh38, chr15:48,444,660, plus strand): 5'-TCCAAGTTTTGACAGGTACCTGGTGCACATTTTCTGGGTTCTAGAAGACATTCATTGATA[T>C]CTGCAAAGAAAAGGGAAAAATAAGGAAGAGGTTCCCACTGGCATGACTTCCATCAAACAA-3'
Protein context (NP_000129.3, residues 1963-1983): EVAPDGRTCV[Asp1973Gly]INECLLEPRK